The following is an entry in ClinVar:

ClinVar aggregate classification (germline): Pathogenic. Review status: criteria provided, multiple submitters, no conflicts (2 of 4 stars). 3 submissions from 3 submitters: Pathogenic (3). Last evaluated 2025-11-06.

Conditions:
PKD1-related disorder. Also called: PKD1-related condition.
Polycystic kidney disease, adult type (PKD1). Also called: POLYCYSTIC KIDNEY DISEASE, ADULT, TYPE I; Polycystic Kidney Disease 1, Autosomal Dominant; Polycystic kidney disease 1; Polycystic kidney disease 1, severe; Polycystic Kidney, Autosomal Dominant; POLYCYSTIC KIDNEY DISEASE 1 WITH OR WITHOUT POLYCYSTIC LIVER DISEASE. Identifiers: MedGen C3149841, MONDO:0008263, OMIM 173900.

Submissions (3):

PreventionGenetics, part of Exact Sciences
Classification: Pathogenic for PKD1-related condition. Last evaluated: 2025-11-06. Review status: criteria provided, single submitter. Criteria: ACMG Guidelines, 2015. Collection method: clinical testing. Allele origin: germline.
Comment: The PKD1 c.10321C>T variant is predicted to result in premature protein termination (p.Gln3441*). This variant has been reported in individuals with autosomal dominant polycystic kidney disease (ADPKD) (see for example, Table S1, Kimura et al. 2023. PubMed ID: 37509056; Obeidová et al. 2014. PubMed ID: 24694054). This variant has not been reported in a large population database (gnomAD), indicating this variant is rare. Nonsense variants in PKD1 are expected to be pathogenic. This variant is interpreted as pathogenic.

Department of Pathology and Laboratory Medicine, Sinai Health System
Classification: Pathogenic for Polycystic kidney disease, adult type. Last evaluated: 2024-10-28. Review status: criteria provided, single submitter. Criteria: ACMG Guidelines, 2015. Collection method: clinical testing. Allele origin: germline.

MVZ Martinsried, Medicover Genetics
Classification: Pathogenic for Polycystic kidney disease, adult type. Last evaluated: 2024-02-13. Review status: criteria provided, single submitter. Criteria: ACGS Guidelines, 2020. Collection method: clinical testing. Allele origin: unknown. Affected: yes.

NM_001009944.3(PKD1):c.10321C>T (p.Gln3441Ter)

Gene: PKD1 (polycystin 1, transient receptor potential channel interacting; minus strand). Cytogenetic location: 16p13.3.
Variant type: single nucleotide variant.
Coding change: c.10321C>T on transcript NM_001009944.3 (MANE Select); coding-DNA position 10321, C replaced by T.
Protein change: p.Gln3441Ter; replaces glutamine 3441 with a stop codon.
Molecular consequence: nonsense.
Genome position (GRCh38, 1-based): chr16:2,097,403, G>A on the plus strand (C>T on the coding strand, the complement: PKD1 is on the minus strand). VCF-style: chr16-2097403-G-A. GRCh37 (hg19) VCF-style: chr16-2147404-G-A.
Other names: c.10318C>T, p.Gln3440Ter (NM_000296.4); short protein forms Q3440*, Q3441*.
Identifiers: ClinVar variation 3064111 (VCV003064111.3), dbSNP rs918228674, ClinGen allele CA394345440.